The following is an entry in ClinVar:

NM_000112.4(SLC26A2):c.1215C>G (p.Ala405=)

Gene: SLC26A2 (solute carrier family 26 member 2; plus strand). Cytogenetic location: 5q32.
Variant type: single nucleotide variant.
Coding change: c.1215C>G on transcript NM_000112.4 (MANE Select); coding-DNA position 1215, C replaced by G.
Protein change: p.Ala405=; no amino-acid change (alanine 405 retained).
Molecular consequence: synonymous variant.
Genome position (GRCh38, 1-based): chr5:149,980,808, C>G. VCF-style: chr5-149980808-C-G. GRCh37 (hg19) VCF-style: chr5-149360371-C-G.
Identifiers: ClinVar variation 64382 (VCV000064382.2), dbSNP rs387907489, ClinGen allele CA216016.

ClinVar aggregate classification (germline): Uncertain significance (0 of 4 stars; one submission).

Submission:

Martin Pollak Laboratory,  Beth Israel Deaconess Medical Center
Classification: Uncertain significance. Review status: no assertion criteria provided. Collection method: not provided. Allele origin: unknown.
Comment: Lower and higher UCa2+ groups
ClinVar note: Converted during submission from unknown to Uncertain significance.